The following is an entry in ClinVar:

ClinVar aggregate classification (germline): Uncertain significance (1 of 4 stars; one submission).

Conditions:
Hereditary cancer-predisposing syndrome. Also called: Neoplastic Syndromes, Hereditary; Tumor predisposition; Hereditary Cancer Syndrome; Hereditary neoplastic syndrome. Identifiers: Orphanet 140162, MedGen C0027672, MeSH D009386, MONDO:0015356.

Submission:

Ambry Genetics
Classification: Uncertain significance for Hereditary cancer-predisposing syndrome. Last evaluated: 2019-03-20. Review status: criteria provided, single submitter. Criteria: Ambry Variant Classification Scheme 2023. Collection method: clinical testing. Allele origin: germline.
Comment: The p.M74T variant (also known as c.221T>C), located in coding exon 4 of the MAX gene, results from a T to C substitution at nucleotide position 221. The methionine at codon 74 is replaced by threonine, an amino acid with similar properties. This amino acid position is highly conserved in available vertebrate species. In addition, this alteration is predicted to be deleterious by in silico analysis. Since supporting evidence is limited at this time, the clinical significance of this alteration remains unclear.

Literature cited by the submitters: PubMed 22452945.

NM_002382.5(MAX):c.221T>C (p.Met74Thr)

Gene: MAX (MYC associated transcriptional regulator X; minus strand). Cytogenetic location: 14q23.3.
Variant type: single nucleotide variant.
Coding change: c.221T>C on transcript NM_002382.5 (MANE Select); coding-DNA position 221, T replaced by C.
Protein change: p.Met74Thr; replaces methionine 74 with threonine.
Molecular consequence: missense variant. On other transcripts: 5 prime UTR variant (1), intron variant (2).
Genome position (GRCh38, 1-based): chr14:65,077,987, A>G on the plus strand (T>C on the coding strand, the complement: MAX is on the minus strand). VCF-style: chr14-65077987-A-G. GRCh37 (hg19) VCF-style: chr14-65544705-A-G.
Other names: c.-54T>C (NM_001320415.2, NM_001407105.1, NM_001407106.1 and 1 more transcripts); c.221T>C, p.Met74Thr (NM_001407094.1, NM_001407096.1, NM_001407097.1 and 3 more transcripts); c.194T>C, p.Met65Thr (NM_001407095.1, NM_001407099.1, NM_001407100.1 and 6 more transcripts); c.113T>C, p.Met38Thr (NM_001407098.1); c.-147T>C (NM_001407111.1, NM_001407112.1); c.144+15721T>C (NM_001271069.2); c.171+15721T>C (NM_197957.4); short protein forms M74T, M65T, M38T.
Identifiers: ClinVar variation 820913 (VCV000820913.5), dbSNP rs1595131061, ClinGen allele CA390035756.